The following is an entry in ClinVar:

NM_001375524.1(TRRAP):c.5039G>T (p.Ser1680Ile)

Genes: TRRAP (transformation/transcription domain associated protein; plus strand), LOC126860121 (MED14-independent group 3 enhancer GRCh37_chr7:98547245-98548444; plus strand). Cytogenetic location: 7q22.1.
Variant type: single nucleotide variant.
Coding change: c.5039G>T on transcript NM_001375524.1 (MANE Select); coding-DNA position 5039, G replaced by T.
Protein change: p.Ser1680Ile; replaces serine 1680 with isoleucine.
Molecular consequence: missense variant.
Genome position (GRCh38, 1-based): chr7:98,949,745, G>T. VCF-style: chr7-98949745-G-T. GRCh37 (hg19) VCF-style: chr7-98547368-G-T.
Other names: c.5018G>T, p.Ser1673Ile (NM_001244580.2); c.4964G>T, p.Ser1655Ile (NM_003496.4); short protein forms S1655I, S1673I, S1680I.
Identifiers: ClinVar variation 2501495 (VCV002501495.2), dbSNP rs2484852862, ClinGen allele CA368314092.
Genomic context (GRCh38, chr7:98,949,745, plus strand): 5'-ATGACTCCTGGCTGGCCAGCCAGCACTCTCTGGTGAGCCAGTTGCGACGTGTGTGGGTGA[G>T]TGAGAACTTCCAAGAGAGGCACCGCAAGGAGAACATGGCAGCCACCAACTGGAAGGAGCC-3'
Protein context (NP_001362453.1, residues 1670-1690): LVSQLRRVWV[Ser1680Ile]ENFQERHRKE

ClinVar aggregate classification (germline): Uncertain significance (1 of 4 stars; one submission).

Submission:

GeneDx
Classification: Uncertain significance. Last evaluated: 2023-05-12. Review status: criteria provided, single submitter. Criteria: GeneDx Variant Classification Process June 2021. Collection method: clinical testing. Allele origin: germline. Affected: yes.
Comment: Not observed at significant frequency in large population cohorts (gnomAD); In silico analysis supports that this missense variant has a deleterious effect on protein structure/function; Has not been previously published as pathogenic or benign to our knowledge